The following is an entry in ClinVar:

ClinVar aggregate classification (germline): Uncertain significance (1 of 4 stars; one submission).

Allele frequency attached by ClinVar (database versions not stated): gnomAD exomes 0.00001.
gnomAD v4.1: 3 of 1,614,008 alleles (0.00019%); highest among the groups gnomAD compares: South Asian, 0.0033%; no homozygotes.

Submission:

Labcorp Genetics (formerly Invitae), Labcorp
Classification: Uncertain significance. Last evaluated: 2022-11-01. Review status: criteria provided, single submitter. Criteria: Invitae Variant Classification Sherloc (09022015). Collection method: clinical testing. Allele origin: germline.
Comment: This sequence change replaces serine, which is neutral and polar, with threonine, which is neutral and polar, at codon 206 of the TRAPPC9 protein (p.Ser206Thr). This variant is not present in population databases (gnomAD no frequency). This variant has not been reported in the literature in individuals affected with TRAPPC9-related conditions. Algorithms developed to predict the effect of missense changes on protein structure and function are either unavailable or do not agree on the potential impact of this missense change (SIFT: "Not Available"; PolyPhen-2: "Benign"; Align-GVGD: "Not Available"). In summary, the available evidence is currently insufficient to determine the role of this variant in disease. Therefore, it has been classified as a Variant of Uncertain Significance.

NM_001160372.4(TRAPPC9):c.322T>A (p.Ser108Thr)

Gene: TRAPPC9 (trafficking protein particle complex subunit 9; minus strand). Cytogenetic location: 8q24.3.
Variant type: single nucleotide variant.
Coding change: c.322T>A on transcript NM_001160372.4 (MANE Select); coding-DNA position 322, T replaced by A.
Protein change: p.Ser108Thr; replaces serine 108 with threonine.
Molecular consequence: missense variant. On other transcripts: non-coding transcript variant (1).
Genome position (GRCh38, 1-based): chr8:140,451,052, A>T on the plus strand (T>A on the coding strand, the complement: TRAPPC9 is on the minus strand). VCF-style: chr8-140451052-A-T. GRCh37 (hg19) VCF-style: chr8-141461151-A-T.
Other names: c.322T>A, p.Ser108Thr (NM_001321646.2, NM_001374682.1, NM_001374683.1 and 2 more transcripts); short protein forms S108T.
Identifiers: ClinVar variation 2024323 (VCV002024323.4), dbSNP rs2540543647, ClinGen allele CA372318520.